The following is an entry in ClinVar:

ClinVar aggregate classification (germline): Uncertain significance (1 of 4 stars; one submission).

Conditions:
Spermatogenic failure 18. Identifiers: MedGen C4539783, MONDO:0054615, OMIM 617576.
Ciliary dyskinesia, primary, 37 (CILD37). Also called: CILIARY DYSKINESIA, PRIMARY, 37, WITH OR WITHOUT SITUS INVERSUS. Identifiers: MedGen C4539798, MONDO:0033204, OMIM 617577.

Allele frequency attached by ClinVar (database versions not stated): TOPMed 0.00001; ExAC 0.00002; gnomAD exomes 0.00002; gnomAD 0.00003.

Submission:

Labcorp Genetics (formerly Invitae), Labcorp
Classification: Uncertain significance for Ciliary dyskinesia, primary, 37; Spermatogenic failure 18. Last evaluated: 2022-03-15. Review status: criteria provided, single submitter. Criteria: Invitae Variant Classification Sherloc (09022015). Collection method: clinical testing. Allele origin: germline.
Comment: In summary, the available evidence is currently insufficient to determine the role of this variant in disease. Therefore, it has been classified as a Variant of Uncertain Significance. Algorithms developed to predict the effect of missense changes on protein structure and function are either unavailable or do not agree on the potential impact of this missense change (SIFT: "Deleterious"; PolyPhen-2: "Probably Damaging"; Align-GVGD: "Class C0"). This variant has not been reported in the literature in individuals affected with DNAH1-related conditions. The frequency data for this variant in the population databases is considered unreliable, as metrics indicate poor data quality at this position in the gnomAD database. This sequence change replaces arginine, which is basic and polar, with cysteine, which is neutral and slightly polar, at codon 3632 of the DNAH1 protein (p.Arg3632Cys).

NM_015512.5(DNAH1):c.10894C>T (p.Arg3632Cys)

Gene: DNAH1 (dynein axonemal heavy chain 1; plus strand). Cytogenetic location: 3p21.1.
Variant type: single nucleotide variant.
Coding change: c.10894C>T on transcript NM_015512.5 (MANE Select); coding-DNA position 10894, C replaced by T.
Protein change: p.Arg3632Cys; replaces arginine 3632 with cysteine.
Molecular consequence: missense variant.
Genome position (GRCh38, 1-based): chr3:52,394,985, C>T. VCF-style: chr3-52394985-C-T. GRCh37 (hg19) VCF-style: chr3-52429001-C-T.
Other names: short protein forms R3632C.
Identifiers: ClinVar variation 2148487 (VCV002148487.4), dbSNP rs765598878, ClinGen allele CA2435988.